The following is an entry in ClinVar:

NM_014053.4(FLVCR1):c.1109C>T (p.Ala370Val)

Gene: FLVCR1 (FLVCR choline and heme transporter 1; plus strand). Cytogenetic location: 1q32.3.
Variant type: single nucleotide variant.
Coding change: c.1109C>T on transcript NM_014053.4 (MANE Select); coding-DNA position 1109, C replaced by T.
Protein change: p.Ala370Val; replaces alanine 370 with valine.
Molecular consequence: missense variant.
Genome position (GRCh38, 1-based): chr1:212,885,309, C>T. VCF-style: chr1-212885309-C-T. GRCh37 (hg19) VCF-style: chr1-213058651-C-T.
Other names: short protein forms A370V.
Identifiers: ClinVar variation 3571679 (VCV003571679.1).

ClinVar aggregate classification (germline): Uncertain significance (1 of 4 stars; one submission).

gnomAD v4.1: 8 of 1,613,820 alleles (0.0005%); highest among the groups gnomAD compares: Non-Finnish European, 0.00068%; no homozygotes.

Submission:

Athena Diagnostics
Classification: Uncertain significance. Last evaluated: 2024-08-01. Review status: criteria provided, single submitter. Criteria: Athena Diagnostics Criteria. Collection method: clinical testing. Allele origin: unknown.
Comment: Available data are insufficient to determine the clinical significance of the variant at this time. This variant has not been reported in large, multi-ethnic general populations. Polyphen and MutationTaster yielded discordant predictions regarding whether this amino acid change is damaging to the protein.